The following is an entry in ClinVar:

ClinVar aggregate classification (germline): Uncertain significance. Review status: criteria provided, single submitter (1 of 4 stars). 3 submissions from 3 submitters: Uncertain significance (1). 2 of the submissions do not count toward it. Last evaluated 2026-01-12.

Conditions:
Primary dilated cardiomyopathy (DCM). Also called: Dilated Cardiomyopathy. Identifiers: Orphanet 217604, MedGen C0007193, MeSH D002311, MONDO:0005021, HP:0001644. Inheritance: Various modes of inheritance.

Allele frequency attached by ClinVar (database versions not stated): TOPMed 0.00011; ESP Exome Variant Server 0.00008.
gnomAD v4.1: 110 of 1,610,858 alleles (0.0068%); highest among the groups gnomAD compares: Middle Eastern, 0.033%; no homozygotes.

Submissions (3):

Labcorp Genetics (formerly Invitae), Labcorp
Classification: Uncertain significance for Primary dilated cardiomyopathy. Last evaluated: 2026-01-12. Review status: criteria provided, single submitter. Criteria: Invitae Variant Classification Sherloc (09022015). Collection method: clinical testing. Allele origin: germline.
Comment: This sequence change falls in intron 25 of the NEBL gene. It does not directly change the encoded amino acid sequence of the NEBL protein. This variant is present in population databases (rs377317796, gnomAD 0.02%). This variant has not been reported in the literature in individuals affected with NEBL-related conditions. ClinVar contains an entry for this variant (Variation ID: 840911). Algorithms developed to predict the effect of sequence changes on RNA splicing suggest that this variant may disrupt the consensus splice site. In summary, the available evidence is currently insufficient to determine the role of this variant in disease. Therefore, it has been classified as a Variant of Uncertain Significance.

Clinical Genetics DNA and cytogenetics Diagnostics Lab, Erasmus MC, Erasmus Medical Center
Classification: Uncertain significance. Review status: no assertion criteria provided. Collection method: clinical testing. Allele origin: germline. Affected: yes. Study: VKGL Data-share Consensus. Not counted in ClinVar's aggregate classification.

Joint Genome Diagnostic Labs from Nijmegen and Maastricht, Radboudumc and MUMC+
Classification: Uncertain significance. Review status: no assertion criteria provided. Collection method: clinical testing. Allele origin: germline. Affected: yes. Study: VKGL Data-share Consensus. Not counted in ClinVar's aggregate classification.

NM_006393.3(NEBL):c.2612-6A>G

Gene: NEBL (nebulette; minus strand). Cytogenetic location: 10p12.31.
Variant type: single nucleotide variant.
Coding change: c.2612-6A>G on transcript NM_006393.3 (MANE Select); 6 bases into the intron before coding-DNA position 2612, A replaced by G.
Molecular consequence: intron variant.
Genome position (GRCh38, 1-based): chr10:20,808,665, T>C on the plus strand (A>G on the coding strand, the complement: NEBL is on the minus strand). VCF-style: chr10-20808665-T-C. GRCh37 (hg19) VCF-style: chr10-21097594-T-C.
Other names: c.421+4104A>G (NM_001377326.1, NM_001377327.1, NM_001377328.1); c.529+4104A>G (NM_213569.2, NM_001173484.2); c.622+1141A>G (NM_001377322.1); c.472+4104A>G (NM_001377324.1); c.463+4104A>G (NM_001377325.1); c.481+4104A>G (NM_001377323.1).
Identifiers: ClinVar variation 840911 (VCV000840911.11), dbSNP rs377317796, ClinGen allele CA5432378.
Genomic context (GRCh38, chr10:20,808,665, plus strand): 5'-AAAGTACTGCTGGAATGGGATCGAGACCAGTGTCGCCTATAGTGACTCGCCTTTTCTATA[T>C]TGGAGGGAAAATATTTACACGTGTGATTAAGTGACTCGAAAAACAAAATCAACAAAAAAT-3'